The following is an entry in ClinVar:

NM_004655.4(AXIN2):c.327C>T (p.Asp109=)

Gene: AXIN2 (axin 2; minus strand). Cytogenetic location: 17q24.1.
Variant type: single nucleotide variant.
Coding change: c.327C>T on transcript NM_004655.4 (MANE Select); coding-DNA position 327, C replaced by T.
Protein change: p.Asp109=; no amino-acid change (aspartic acid 109 retained).
Molecular consequence: synonymous variant.
Genome position (GRCh38, 1-based): chr17:65,558,294, G>A on the plus strand (C>T on the coding strand, the complement: AXIN2 is on the minus strand). VCF-style: chr17-65558294-G-A. GRCh37 (hg19) VCF-style: chr17-63554412-G-A.
Other names: c.327C>T, p.Asp109= (NM_001363813.1).
Identifiers: ClinVar variation 795823 (VCV000795823.13), dbSNP rs1176996295, ClinGen allele CA501691915.

ClinVar aggregate classification (germline): Benign/Likely benign. Review status: criteria provided, multiple submitters, no conflicts (2 of 4 stars). 3 submissions from 3 submitters: Benign (1); Likely benign (2). Last evaluated 2024-06-26.

Conditions:
Hereditary cancer-predisposing syndrome. Also called: Neoplastic Syndromes, Hereditary; Hereditary neoplastic syndrome; Tumor predisposition; Hereditary Cancer Syndrome. Identifiers: Orphanet 140162, MedGen C0027672, MeSH D009386, MONDO:0015356.
Oligodontia-cancer predisposition syndrome. Also called: TOOTH AGENESIS-COLORECTAL CANCER SYNDROME. Identifiers: Orphanet 300576, MedGen C1837750, MONDO:0012075, OMIM 608615. Disease mechanism: loss of function.

Allele frequency attached by ClinVar (database versions not stated): gnomAD exomes below 0.00001.
gnomAD v4.1: 1 of 1,614,224 alleles (0.000062%); highest among the groups gnomAD compares: Non-Finnish European, 0.000085%; no homozygotes.

Submissions (3):

Myriad Genetics, Inc.
Classification: Benign for Oligodontia-cancer predisposition syndrome. Last evaluated: 2024-06-26. Review status: criteria provided, single submitter. Criteria: Myriad Autosomal Dominant, Autosomal Recessive and X-Linked Classification Criteria (2023). Collection method: clinical testing. Allele origin: unknown.
Comment: This variant is considered benign. This variant is a silent/synonymous amino acid change and it is not expected to impact splicing.

Labcorp Genetics (formerly Invitae), Labcorp
Classification: Likely benign for Oligodontia-cancer predisposition syndrome. Last evaluated: 2023-12-07. Review status: criteria provided, single submitter. Criteria: Invitae Variant Classification Sherloc (09022015). Collection method: clinical testing. Allele origin: germline.

Ambry Genetics
Classification: Likely benign for Hereditary cancer-predisposing syndrome. Last evaluated: 2021-03-15. Review status: criteria provided, single submitter. Criteria: Ambry Variant Classification Scheme 2023. Collection method: clinical testing. Allele origin: germline.